The following is an entry in ClinVar:

NM_003119.4(SPG7):c.865C>T (p.Gln289Ter)

Gene: SPG7 (SPG7 matrix AAA peptidase subunit, paraplegin; plus strand). Cytogenetic location: 16q24.3.
Variant type: single nucleotide variant.
Coding change: c.865C>T on transcript NM_003119.4 (MANE Select); coding-DNA position 865, C replaced by T.
Protein change: p.Gln289Ter; replaces glutamine 289 with a stop codon.
Molecular consequence: nonsense.
Genome position (GRCh38, 1-based): chr16:89,530,686, C>T. VCF-style: chr16-89530686-C-T. GRCh37 (hg19) VCF-style: chr16-89597094-C-T.
Other names: c.865C>T, p.Gln289Ter (NM_001363850.1, NM_199367.3); short protein forms Q289*.
Identifiers: ClinVar variation 430445 (VCV000430445.2), dbSNP rs1131691968, ClinGen allele CA397418855.

ClinVar aggregate classification (germline): Likely pathogenic (1 of 4 stars; one submission).

Submission:

GeneDx
Classification: Likely pathogenic. Last evaluated: 2016-08-10. Review status: criteria provided, single submitter. Criteria: GeneDx Variant Classification (06012015). Collection method: clinical testing. Allele origin: germline. Affected: yes.
Comment: The Q289X nonsense variant in the SPG7 gene is predicted to cause loss of normal protein function either through protein truncation or nonsense-mediated mRNA decay. It was not observed in approximately 6,500 individuals of European and African American ancestry in the NHLBI Exome Sequencing Project, indicating it is not a common benign variant in these populations. Additionally, other downstream nonsense pathogenic variants have been reported in Human Gene Mutation Database in association with spastic paraplegia (Stenson et al., 2014).